The following is an entry in ClinVar:

NM_000530.8(MPZ):c.104A>G (p.Asp35Gly)

Gene: MPZ (myelin protein zero; minus strand). Cytogenetic location: 1q23.3.
Variant type: single nucleotide variant.
Coding change: c.104A>G on transcript NM_000530.8 (MANE Select); coding-DNA position 104, A replaced by G.
Protein change: p.Asp35Gly; replaces aspartic acid 35 with glycine.
Molecular consequence: missense variant.
Genome position (GRCh38, 1-based): chr1:161,307,388, T>C on the plus strand (A>G on the coding strand, the complement: MPZ is on the minus strand). VCF-style: chr1-161307388-T-C. GRCh37 (hg19) VCF-style: chr1-161277178-T-C.
Other names: c.104A>G (LRG_256t1); c.104A>G, p.Asp35Gly (NM_001315491.2); short protein forms D35G.
Identifiers: ClinVar variation 447725 (VCV000447725.10), dbSNP rs1553259811, ClinGen allele CA343351528.
Genomic context (GRCh38, chr1:161,307,388, plus strand): 5'-CTGGACCAGAAGGAGCAGTGCAGGGTCACCCGGGAGCCCACAGCACCATGGACCTCCCTG[T>C]CGGTGTAAACCACGATGGCCTGGGCCGGGGACAGCACTGCAAGCACAAAGTGGGGAATCA-3'
Protein context (NP_000521.2, residues 25-45): SPAQAIVVYT[Asp35Gly]REVHGAVGSR

ClinVar aggregate classification (germline): Conflicting classifications of pathogenicity. Review status: criteria provided, conflicting classifications (1 of 4 stars). 3 submissions from 3 submitters: Likely pathogenic (1); Uncertain significance (2). Last evaluated 2024-07-08.

Conditions:
Charcot-Marie-Tooth disease, type I (CMT1). Also called: Charcot-Marie-Tooth disease type 1; Charcot-Marie-Tooth, Type 1. Identifiers: Orphanet 65753, MedGen C0751036, MONDO:0019011.
Charcot-Marie-Tooth disease type 1B. Also called: HEREDITARY MOTOR AND SENSORY NEUROPATHY I; HEREDITARY MOTOR AND SENSORY NEUROPATHY IB; PERONEAL MUSCULAR ATROPHY; CHARCOT-MARIE-TOOTH DISEASE, AUTOSOMAL DOMINANT, WITH FOCALLY FOLDED MYELIN SHEATHS, TYPE 1B; CHARCOT-MARIE-TOOTH DISEASE, SLOW NERVE CONDUCTION TYPE, LINKED TO DUFFY; CHARCOT-MARIE-TOOTH NEUROPATHY, TYPE 1B. Identifiers: Orphanet 101082, MedGen C0270912, MONDO:0007307, OMIM 118200.

Allele frequency attached by ClinVar (database versions not stated): gnomAD exomes below 0.00001.
gnomAD v4.1: 1 of 1,614,244 alleles (0.000062%); highest among the groups gnomAD compares: Non-Finnish European, 0.000085%; no homozygotes.

Submissions (3):

Department of Clinical Genetics, Copenhagen University Hospital, Rigshospitalet
Classification: Likely pathogenic for Charcot-Marie-Tooth disease type 1B. Last evaluated: 2024-07-08. Review status: criteria provided, single submitter. Criteria: ACMG Guidelines, 2015. Collection method: clinical testing. Allele origin: germline.
Comment: PM1_M, PM5_M, PS4_Sup, PM2_Sup, PP4_Sup

Labcorp Genetics (formerly Invitae), Labcorp
Classification: Uncertain significance for Charcot-Marie-Tooth disease, type I. Last evaluated: 2019-06-18. Review status: criteria provided, single submitter. Criteria: Invitae Variant Classification Sherloc (09022015). Collection method: clinical testing. Allele origin: germline.
Comment: In summary, the available evidence is currently insufficient to determine the role of this variant in disease. Therefore, it has been classified as a Variant of Uncertain Significance. This variant disrupts the p.Asp35 amino acid residue in MPZ. Other variant(s) that disrupt this residue have been determined to be pathogenic (PMID: 24444136, 20385006, 24053775). This suggests that this residue is clinically significant, and that variants that disrupt this residue are likely to be disease-causing. Algorithms developed to predict the effect of missense changes on protein structure and function are either unavailable or do not agree on the potential impact of this missense change (SIFT: "Deleterious"; PolyPhen-2: "Benign"; Align-GVGD: "Class C0"). This variant has not been reported in the literature in individuals with MPZ-related conditions. ClinVar contains an entry for this variant (Variation ID: 447725). This variant is not present in population databases (ExAC no frequency). This sequence change replaces aspartic acid with glycine at codon 35 of the MPZ protein (p.Asp35Gly). The aspartic acid residue is highly conserved and there is a moderate physicochemical difference between aspartic acid and glycine.

Athena Diagnostics
Classification: Uncertain significance. Last evaluated: 2017-02-10. Review status: criteria provided, single submitter. Criteria: Athena Diagnostics Criteria. Collection method: clinical testing. Allele origin: germline.

Literature cited by the submitters: PubMed 24444136 (cited by Labcorp Genetics (formerly Invitae), Labcorp); PubMed 20385006 (cited by Labcorp Genetics (formerly Invitae), Labcorp); PubMed 24053775 (cited by Labcorp Genetics (formerly Invitae), Labcorp).